The following is an entry in ClinVar:

NM_017654.4(SAMD9):c.4190G>A (p.Cys1397Tyr)

Gene: SAMD9 (sterile alpha motif domain containing 9; minus strand). Cytogenetic location: 7q21.2.
Variant type: single nucleotide variant.
Coding change: c.4190G>A on transcript NM_017654.4 (MANE Select); coding-DNA position 4190, G replaced by A.
Protein change: p.Cys1397Tyr; replaces cysteine 1397 with tyrosine.
Molecular consequence: missense variant.
Genome position (GRCh38, 1-based): chr7:93,101,908, C>T on the plus strand (G>A on the coding strand, the complement: SAMD9 is on the minus strand). VCF-style: chr7-93101908-C-T. GRCh37 (hg19) VCF-style: chr7-92731221-C-T.
Other names: c.4190G>A, p.Cys1397Tyr (NM_001193307.2); short protein forms C1397Y.
Identifiers: ClinVar variation 3791932 (VCV003791932.1).

ClinVar aggregate classification (germline): Uncertain significance (1 of 4 stars; one submission).

Conditions:
Inborn genetic diseases. Identifiers: MedGen C0950123, MeSH D030342.

Submission:

Ambry Genetics
Classification: Uncertain significance for Inborn genetic diseases. Last evaluated: 2024-12-20. Review status: criteria provided, single submitter. Criteria: Ambry Variant Classification Scheme 2023. Collection method: clinical testing. Allele origin: germline.
Comment: The p.C1397Y variant (also known as c.4190G>A), located in coding exon 1 of the SAMD9 gene, results from a G to A substitution at nucleotide position 4190. The cysteine at codon 1397 is replaced by tyrosine, an amino acid with highly dissimilar properties. This amino acid position is conserved. In addition, the in silico prediction for this alteration is inconclusive. Based on the available evidence, the clinical significance of this variant remains unclear.